The following is an entry in ClinVar:

ClinVar aggregate classification (germline): Likely benign. Review status: criteria provided, multiple submitters, no conflicts (2 of 4 stars). 2 submissions from 2 submitters: Likely benign (2). Last evaluated 2023-04-26.

Allele frequency attached by ClinVar (database versions not stated): gnomAD exomes below 0.00001 and 0.00001; TOPMed below 0.00001; gnomAD 0.00001.
gnomAD v4.1: 4 of 1,551,602 alleles (0.00026%); highest among the groups gnomAD compares: African/African-American, 0.0041%; no homozygotes.

Submissions (2):

Labcorp Genetics (formerly Invitae), Labcorp
Classification: Likely benign. Last evaluated: 2023-04-26. Review status: criteria provided, single submitter. Criteria: Invitae Variant Classification Sherloc (09022015). Collection method: clinical testing. Allele origin: germline.

Laboratory for Molecular Medicine, Mass General Brigham Personalized Medicine
Classification: Likely benign. Last evaluated: 2015-05-26. Review status: criteria provided, single submitter. Criteria: LMM Criteria. Collection method: clinical testing. Allele origin: germline. Observed: 1 variant allele.
Comment: p.Asp1224Asp in exon 24 of LOXHD1: This variant is not expected to have clinical significance because it does not alter an amino acid residue, and it is not loc ated within the splice consensus sequence.

NM_001384474.1(LOXHD1):c.3672C>T (p.Asp1224=)

Gene: LOXHD1 (lipoxygenase homology PLAT domains 1; minus strand). Cytogenetic location: 18q21.1.
Variant type: single nucleotide variant.
Coding change: c.3672C>T on transcript NM_001384474.1 (MANE Select); coding-DNA position 3672, C replaced by T.
Protein change: p.Asp1224=; no amino-acid change (aspartic acid 1224 retained).
Molecular consequence: synonymous variant.
Genome position (GRCh38, 1-based): chr18:46,542,803, G>A on the plus strand (C>T on the coding strand, the complement: LOXHD1 is on the minus strand). VCF-style: chr18-46542803-G-A. GRCh37 (hg19) VCF-style: chr18-44122766-G-A.
Other names: c.339C>T, p.Asp113= (NM_001145472.3); c.51C>T, p.Asp17= (NM_001308013.2); c.3672C>T, p.Asp1224= (NM_144612.7).
Identifiers: ClinVar variation 227519 (VCV000227519.7), dbSNP rs876657495, ClinGen allele CA10577077.